The following is an entry in ClinVar:

NM_001430.5(EPAS1):c.1439C>G (p.Ser480Cys)

Gene: EPAS1 (endothelial PAS domain protein 1; plus strand). Cytogenetic location: 2p21.
Variant type: single nucleotide variant.
Coding change: c.1439C>G on transcript NM_001430.5 (MANE Select); coding-DNA position 1439, C replaced by G.
Protein change: p.Ser480Cys; replaces serine 480 with cysteine.
Molecular consequence: missense variant.
Genome position (GRCh38, 1-based): chr2:46,378,083, C>G. VCF-style: chr2-46378083-C-G. GRCh37 (hg19) VCF-style: chr2-46605222-C-G.
Other names: short protein forms S480C.
Identifiers: ClinVar variation 2624647 (VCV002624647.2), dbSNP rs763973447, ClinGen allele CA346704091.

ClinVar aggregate classification (germline): Uncertain significance (1 of 4 stars; one submission).

Conditions:
Inborn genetic diseases. Identifiers: MedGen C0950123, MeSH D030342.

Submission:

Ambry Genetics
Classification: Uncertain significance for Inborn genetic diseases. Last evaluated: 2023-09-04. Review status: criteria provided, single submitter. Criteria: Ambry Variant Classification Scheme 2023. Collection method: clinical testing. Allele origin: germline.
Comment: The p.S480C variant (also known as c.1439C>G), located in coding exon 10 of the EPAS1 gene, results from a C to G substitution at nucleotide position 1439. The serine at codon 480 is replaced by cysteine, an amino acid with dissimilar properties. This amino acid position is conserved. In addition, this alteration is predicted to be tolerated by in silico analysis. Since supporting evidence is limited at this time, the clinical significance of this alteration remains unclear.